The following is an entry in ClinVar:

NM_006295.3(VARS1):c.721C>T (p.Arg241Trp)

Genes: VARS1 (valyl-tRNA synthetase 1; minus strand), LOC126859651 (CDK7 strongly-dependent group 2 enhancer GRCh37_chr6:31759783-31760982; plus strand). Cytogenetic location: 6p21.33.
Variant type: single nucleotide variant.
Coding change: c.721C>T on transcript NM_006295.3 (MANE Select); coding-DNA position 721, C replaced by T.
Protein change: p.Arg241Trp; replaces arginine 241 with tryptophan.
Molecular consequence: missense variant.
Genome position (GRCh38, 1-based): chr6:31,792,457, G>A on the plus strand (C>T on the coding strand, the complement: VARS1 is on the minus strand). VCF-style: chr6-31792457-G-A. GRCh37 (hg19) VCF-style: chr6-31760234-G-A.
Other names: short protein forms R241W.
Identifiers: ClinVar variation 1031628 (VCV001031628.2), dbSNP rs373471879, ClinGen allele CA3723491.

ClinVar aggregate classification (germline): Uncertain significance. Review status: criteria provided, multiple submitters, no conflicts (2 of 4 stars). 2 submissions from 2 submitters: Uncertain significance (2). Last evaluated 2023-04-20.

Conditions:
Neurodevelopmental disorder with microcephaly, seizures, and cortical atrophy. Identifiers: MedGen C4540493, MONDO:0060621, OMIM 617802.

Allele frequency attached by ClinVar (database versions not stated): gnomAD 0.00002; ExAC 0.00004; gnomAD exomes 0.00004 and 0.00005; TOPMed 0.00004; ESP Exome Variant Server 0.00008.

Submissions (2):

Blueprint Genetics
Classification: Uncertain significance. Last evaluated: 2023-04-20. Review status: criteria provided, single submitter. Criteria: ACMG Guidelines, 2015. Collection method: clinical testing. Allele origin: germline.

Baylor Genetics
Classification: Uncertain significance for Neurodevelopmental disorder with microcephaly, seizures, and cortical atrophy. Last evaluated: 2018-12-13. Review status: criteria provided, single submitter. Criteria: ACMG Guidelines, 2015. Collection method: clinical testing. Allele origin: maternal. Affected: yes.
Comment: This variant was determined to be of uncertain significance according to ACMG Guidelines, 2015 [PMID:25741868].